The following is an entry in ClinVar:

ClinVar aggregate classification (germline): Uncertain significance (1 of 4 stars; one submission).

Conditions:
Congenital myopathy with internal nuclei and atypical cores. Also called: Myopathy, centronuclear, 4. Identifiers: Orphanet 319160, MedGen C4707232, MONDO:0013890, OMIM 614807.

Allele frequency attached by ClinVar (database versions not stated): gnomAD 0.00001; TOPMed 0.00001.
gnomAD v4.1: 2 of 1,604,850 alleles (0.00012%); highest among the groups gnomAD compares: African/African-American, 0.0013%; no homozygotes.

Submission:

Labcorp Genetics (formerly Invitae), Labcorp
Classification: Uncertain significance for Congenital myopathy with internal nuclei and atypical cores. Last evaluated: 2026-01-18. Review status: criteria provided, single submitter. Criteria: Invitae Variant Classification Sherloc (09022015). Collection method: clinical testing. Allele origin: germline.
Comment: This sequence change affects a donor splice site in intron 3 of the CCDC78 gene. It is expected to disrupt RNA splicing. Variants that disrupt the donor or acceptor splice site typically lead to a loss of protein function (PMID: 16199547), however the current clinical and genetic evidence is not sufficient to establish whether loss-of-function variants in CCDC78 cause disease. This variant is present in population databases (no rsID available, gnomAD 0.0008%). This variant has not been reported in the literature in individuals affected with CCDC78-related conditions. ClinVar contains an entry for this variant (Variation ID: 2910546). Algorithms developed to predict the effect of sequence changes on RNA splicing suggest that this variant may disrupt the consensus splice site. In summary, the available evidence is currently insufficient to determine the role of this variant in disease. Therefore, it has been classified as a Variant of Uncertain Significance.

Literature cited by the submitters: PubMed 16199547.

NM_001378030.1(CCDC78):c.267+1G>A

Gene: CCDC78 (coiled-coil domain containing 78; minus strand). Cytogenetic location: 16p13.3.
Variant type: single nucleotide variant.
Coding change: c.267+1G>A on transcript NM_001378030.1 (MANE Select); the canonical splice donor site of the intron after coding-DNA position 267, G replaced by A.
Molecular consequence: splice donor variant.
Genome position (GRCh38, 1-based): chr16:725,793, C>T on the plus strand (G>A on the coding strand, the complement: CCDC78 is on the minus strand). VCF-style: chr16-725793-C-T. GRCh37 (hg19) VCF-style: chr16-775793-C-T.
Other names: c.-19+1G>A (NM_001378033.1); c.267+1G>A (NM_001378031.1, NM_001031737.3).
Identifiers: ClinVar variation 2910546 (VCV002910546.3), dbSNP rs959368886, ClinGen allele CA276520993.